The following is an entry in ClinVar:

ClinVar aggregate classification (germline): Conflicting classifications of pathogenicity. Review status: criteria provided, conflicting classifications (1 of 4 stars). 7 submissions from 7 submitters: Uncertain significance (5); Likely benign (2). Last evaluated 2025-12-23.

Conditions:
Classic or attenuated familial adenomatous polyposis. Identifiers: MedGen CN372698, MONDO:0021057.
Hereditary cancer-predisposing syndrome. Also called: Hereditary Cancer Syndrome; Hereditary neoplastic syndrome; Tumor predisposition; Neoplastic Syndromes, Hereditary. Identifiers: Orphanet 140162, MedGen C0027672, MeSH D009386, MONDO:0015356.
Familial adenomatous polyposis 1 (FAP1). Also called: FAMILIAL ADENOMATOUS POLYPOSIS 1, ATTENUATED; POLYPOSIS, ADENOMATOUS INTESTINAL. Identifiers: MedGen C2713442, MONDO:0021056, OMIM 175100. Disease mechanism: loss of function.

Allele frequency attached by ClinVar (database versions not stated): TOPMed below 0.00001; gnomAD 0.00001; gnomAD exomes 0.00001; ExAC 0.00002; 1000 Genomes Project 30x 0.00016; 1000 Genomes Project 0.00020.
gnomAD v4.1: 5 of 1,613,986 alleles (0.00031%); highest among the groups gnomAD compares: East Asian, 0.011%; no homozygotes.

Submissions (7):

Labcorp Genetics (formerly Invitae), Labcorp
Classification: Uncertain significance for Familial adenomatous polyposis 1. Last evaluated: 2025-12-23. Review status: criteria provided, single submitter. Criteria: Invitae Variant Classification Sherloc (09022015). Collection method: clinical testing. Allele origin: germline.
Comment: This sequence change replaces isoleucine, which is neutral and non-polar, with phenylalanine, which is neutral and non-polar, at codon 2231 of the APC protein (p.Ile2231Phe). This variant is present in population databases (rs534228737, gnomAD 0.01%). This missense change has been observed in individual(s) with breast cancer (PMID: 29684080). ClinVar contains an entry for this variant (Variation ID: 127314). Invitae Evidence Modeling of protein sequence and biophysical properties (such as structural, functional, and spatial information, amino acid conservation, physicochemical variation, residue mobility, and thermodynamic stability) indicates that this missense variant is not expected to disrupt APC protein function with a negative predictive value of 95%. In summary, the available evidence is currently insufficient to determine the role of this variant in disease. Therefore, it has been classified as a Variant of Uncertain Significance.

Color Diagnostics, LLC DBA Color Health
Classification: Likely benign for Hereditary cancer-predisposing syndrome. Last evaluated: 2025-08-05. Review status: criteria provided, single submitter. Criteria: ACMG Guidelines, 2015. Collection method: clinical testing. Allele origin: germline.

All of Us Research Program, National Institutes of Health
Classification: Uncertain significance for Classic or attenuated familial adenomatous polyposis. Last evaluated: 2024-05-09. Review status: criteria provided, single submitter. Criteria: ACMG Guidelines, 2015. Collection method: clinical testing. Allele origin: germline. Inheritance: Autosomal dominant inheritance. Observed: 5 variant alleles, 5 heterozygotes.
Comment: This missense variant replaces isoleucine with phenylalanine at codon 2231 of the APC protein. Computational prediction is inconclusive regarding the impact of this variant on protein structure and function (internally defined REVEL score threshold 0.5 < inconclusive < 0.7, PMID: 27666373). To our knowledge, functional studies have not been reported for this variant. This variant has been reported in individuals affected with breast cancer (PMID: 29684080) and colorectal cancer (PMID: 35098669). This variant has been identified in 3/250308 chromosomes in the general population by the Genome Aggregation Database (gnomAD). The available evidence is insufficient to determine the role of this variant in disease conclusively. Therefore, this variant is classified as a Variant of Uncertain Significance.

This study involves interpretation of variants in research participants for the purpose of population health screening. Participant phenotype was not available at the time of variant classification. Additional details can be found in publication PMID: 35346344, PMCID: PMC8962531

Baylor Genetics
Classification: Uncertain significance for Familial adenomatous polyposis 1. Last evaluated: 2024-03-11. Review status: criteria provided, single submitter. Criteria: ACMG Guidelines, 2015. Collection method: clinical testing. Allele origin: unknown.

Quest Diagnostics Nichols Institute San Juan Capistrano
Classification: Uncertain significance. Last evaluated: 2023-12-05. Review status: criteria provided, single submitter. Criteria: Quest Diagnostics criteria. Collection method: clinical testing. Allele origin: unknown.
Comment: The APC c.6691A>T (p.Ile2231Phe) variant has been reported in the published literature in an individual with early-onset colorectal cancer (PMID: 35098669 (2022)). The frequency of this variant in the general population, 0.00016 (3/18390 chromosomes in East Asian subpopulation (Genome Aggregation Database)), is higher than would generally be expected for pathogenic variants in this gene. Analysis of this variant using bioinformatics tools for the prediction of the effect of amino acid changes on protein structure and function yielded predictions that this variant is damaging. Based on the available information, we are unable to determine the clinical significance of this variant.

GeneDx
Classification: Uncertain significance. Last evaluated: 2022-09-21. Review status: criteria provided, single submitter. Criteria: GeneDx Variant Classification Process June 2021. Collection method: clinical testing. Allele origin: germline. Affected: yes.
Comment: Not observed at significant frequency in large population cohorts (gnomAD); In silico analysis supports that this missense variant has a deleterious effect on protein structure/function; Identified in individuals with early-onset colorectal cancer (Do et al., 2022); This variant is associated with the following publications: (PMID: 35098669, 18199528)

Ambry Genetics
Classification: Likely benign for Hereditary cancer-predisposing syndrome. Last evaluated: 2022-06-15. Review status: criteria provided, single submitter. Criteria: Ambry Variant Classification Scheme 2023. Collection method: clinical testing. Allele origin: germline.

Literature cited by the submitters: PubMed 29684080 (cited by Labcorp Genetics (formerly Invitae), Labcorp and All of Us Research Program, National Institutes of Health); PubMed 35098669 (cited by 3 submitters).

NM_000038.6(APC):c.6691A>T (p.Ile2231Phe)

Gene: APC (APC regulator of Wnt signaling pathway; plus strand). Cytogenetic location: 5q22.2.
Variant type: single nucleotide variant.
Coding change: c.6691A>T on transcript NM_000038.6 (MANE Select); coding-DNA position 6691, A replaced by T.
Protein change: p.Ile2231Phe; replaces isoleucine 2231 with phenylalanine.
Molecular consequence: missense variant.
Genome position (GRCh38, 1-based): chr5:112,842,285, A>T. VCF-style: chr5-112842285-A-T. GRCh37 (hg19) VCF-style: chr5-112177982-A-T.
Other names: p.I2231F:ATT>TTT; c.6691A>T, p.Ile2231Phe (NM_001127510.3, NM_001354895.2); c.6637A>T, p.Ile2213Phe (NM_001127511.3); c.6745A>T, p.Ile2249Phe (NM_001354896.2); c.6721A>T, p.Ile2241Phe (NM_001354897.2); c.6616A>T, p.Ile2206Phe (NM_001354898.2); c.6607A>T, p.Ile2203Phe (NM_001354899.2); c.6568A>T, p.Ile2190Phe (NM_001354900.2); and 6 more; short protein forms I2231F, I2213F, I2203F, I2071F, I2206F, I1948F, I2105F, I2130F.
Identifiers: ClinVar variation 127314 (VCV000127314.26), dbSNP rs534228737, ClinGen allele CA012398.